The following is an entry in ClinVar:

ClinVar aggregate classification (germline): Uncertain significance (1 of 4 stars; one submission).

Submission:

Labcorp Genetics (formerly Invitae), Labcorp
Classification: Uncertain significance. Last evaluated: 2022-03-12. Review status: criteria provided, single submitter. Criteria: Invitae Variant Classification Sherloc (09022015). Collection method: clinical testing. Allele origin: germline.
Comment: This variant has not been reported in the literature in individuals affected with FERMT1-related conditions. Algorithms developed to predict the effect of missense changes on protein structure and function (SIFT, PolyPhen-2, Align-GVGD) all suggest that this variant is likely to be disruptive. In summary, the available evidence is currently insufficient to determine the role of this variant in disease. Therefore, it has been classified as a Variant of Uncertain Significance. This sequence change replaces lysine, which is basic and polar, with threonine, which is neutral and polar, at codon 671 of the FERMT1 protein (p.Lys671Thr). This variant is not present in population databases (gnomAD no frequency).

NM_017671.5(FERMT1):c.2012A>C (p.Lys671Thr)

Gene: FERMT1 (FERM domain containing kindlin 1; minus strand). Cytogenetic location: 20p12.3.
Variant type: single nucleotide variant.
Coding change: c.2012A>C on transcript NM_017671.5 (MANE Select); coding-DNA position 2012, A replaced by C.
Protein change: p.Lys671Thr; replaces lysine 671 with threonine.
Molecular consequence: missense variant.
Genome position (GRCh38, 1-based): chr20:6,077,195, T>G on the plus strand (A>C on the coding strand, the complement: FERMT1 is on the minus strand). VCF-style: chr20-6077195-T-G. GRCh37 (hg19) VCF-style: chr20-6057842-T-G.
Other names: short protein forms K671T.
Identifiers: ClinVar variation 2110145 (VCV002110145.4), dbSNP rs752500262, ClinGen allele CA408175326.